The following is an entry in ClinVar:

ClinVar aggregate classification (germline): Likely pathogenic. Review status: criteria provided, multiple submitters, no conflicts (2 of 4 stars). 2 submissions from 2 submitters: Likely pathogenic (2). Last evaluated 2024-08-05.

Conditions:
Neuropathy, hereditary sensory and autonomic, type 2A (HSAN2A). Also called: ACROOSTEOLYSIS, GIACCAI TYPE; ACROOSTEOLYSIS, NEUROGENIC; MORVAN DISEASE; NEUROPATHY, CONGENITAL SENSORY; NEUROPATHY, HEREDITARY SENSORY RADICULAR, AUTOSOMAL RECESSIVE; NEUROPATHY, HEREDITARY SENSORY, TYPE IIA. Identifiers: Orphanet 970, MedGen C2752089, MONDO:0024309, OMIM 201300.
Pseudohypoaldosteronism type 2C (PHA2C). Also called: Pseudohypoaldosteronism Type IIC. Identifiers: Orphanet 757, Orphanet 88940, MedGen C1840391, MONDO:0013778, OMIM 614492.

Submissions (2):

Labcorp Genetics (formerly Invitae), Labcorp
Classification: Likely pathogenic for Neuropathy, hereditary sensory and autonomic, type 2A; Pseudohypoaldosteronism type 2C. Last evaluated: 2024-08-05. Review status: criteria provided, single submitter. Criteria: Invitae Variant Classification Sherloc (09022015). Collection method: clinical testing. Allele origin: germline.
Comment: This sequence change replaces aspartic acid, which is acidic and polar, with glutamic acid, which is acidic and polar, at codon 635 of the WNK1 protein (p.Asp635Glu). This variant is not present in population databases (gnomAD no frequency). This missense change has been observed in individuals with autosomal dominant pseudohypoaldosteronism type 2C (PHA2C) (PMID: 32790646; Invitae). It has also been observed to segregate with disease in related individuals. ClinVar contains an entry for this variant (Variation ID: 2504197). Advanced modeling of protein sequence and biophysical properties (such as structural, functional, and spatial information, amino acid conservation, physicochemical variation, residue mobility, and thermodynamic stability) performed at Invitae indicates that this missense variant is not expected to disrupt WNK1 protein function with a negative predictive value of 95%. Experimental studies have shown that this missense change affects WNK1 function (PMID: 32790646). This variant disrupts the p.Asp635 amino acid residue in WNK1. Other variant(s) that disrupt this residue have been observed in individuals with WNK1-related conditions (PMID: 34159796), which suggests that this may be a clinically significant amino acid residue. In summary, the currently available evidence indicates that the variant is pathogenic, but additional data are needed to prove that conclusively. Therefore, this variant has been classified as Likely Pathogenic.

GeneDx
Classification: Likely pathogenic. Last evaluated: 2022-12-01. Review status: criteria provided, single submitter. Criteria: GeneDx Variant Classification Process June 2021. Collection method: clinical testing. Allele origin: germline. Affected: yes.
Comment: Published functional studies in a mouse model demonstrate a damaging effect (Louis-Dit-Picard er al., 2020); Not observed at significant frequency in large population cohorts (gnomAD); In silico analysis supports that this missense variant has a deleterious effect on protein structure/function; This variant is associated with the following publications: (PMID: 32790646)

Literature cited by the submitters: PubMed 32790646 (cited by Labcorp Genetics (formerly Invitae), Labcorp); PubMed 34159796 (cited by Labcorp Genetics (formerly Invitae), Labcorp).

NM_018979.4(WNK1):c.1905T>A (p.Asp635Glu)

Gene: WNK1 (WNK lysine deficient protein kinase 1; plus strand). Cytogenetic location: 12p13.33.
Variant type: single nucleotide variant.
Coding change: c.1905T>A on transcript NM_018979.4 (MANE Select); coding-DNA position 1905, T replaced by A.
Protein change: p.Asp635Glu; replaces aspartic acid 635 with glutamic acid.
Molecular consequence: missense variant.
Genome position (GRCh38, 1-based): chr12:861,297, T>A. VCF-style: chr12-861297-T-A. GRCh37 (hg19) VCF-style: chr12-970463-T-A.
Other names: c.1905T>A, p.Asp635Glu (NM_001184985.2, NM_014823.3, NM_213655.5); short protein forms D635E.
Identifiers: ClinVar variation 2504197 (VCV002504197.3), dbSNP rs770961582, ClinGen allele CA383335766.
Genomic context (GRCh38, chr12:861,297, plus strand): 5'-TGCTTCTACCACTTCAGCTTCAGTTTCTACACAAGTAGAACCTGAAGAACCTGAGGCAGA[T>A]CAACATCAACAACTACAGTACCAGCAACCCAGTATATCTGTGTTATGTACGTATCTTGGG-3'
Protein context (NP_061852.3, residues 625-645): TQVEPEEPEA[Asp635Glu]QHQQLQYQQP